The following is an entry in ClinVar:

ClinVar aggregate classification (germline): Likely benign (1 of 4 stars; one submission).

gnomAD v4.1: 5 of 1,614,132 alleles (0.00031%); highest among the groups gnomAD compares: Non-Finnish European, 0.00042%; no homozygotes.

Submission:

CeGaT Center for Human Genetics Tuebingen
Classification: Likely benign. Last evaluated: 2025-08-01. Review status: criteria provided, single submitter. Criteria: CeGaT Center For Human Genetics Tuebingen Variant Classification Criteria Version 2. Collection method: clinical testing. Allele origin: germline. Affected: yes. Observed: 1 variant allele.
Comment: SYNE2: BP4

NM_182914.3(SYNE2):c.11641A>C (p.Ser3881Arg)

Gene: SYNE2 (spectrin repeat containing nuclear envelope protein 2; plus strand). Cytogenetic location: 14q23.2.
Variant type: single nucleotide variant.
Coding change: c.11641A>C on transcript NM_182914.3 (MANE Select); coding-DNA position 11641, A replaced by C.
Protein change: p.Ser3881Arg; replaces serine 3881 with arginine.
Molecular consequence: missense variant.
Genome position (GRCh38, 1-based): chr14:64,087,827, A>C. VCF-style: chr14-64087827-A-C. GRCh37 (hg19) VCF-style: chr14-64554545-A-C.
Other names: c.11641A>C, p.Ser3881Arg (NM_015180.6); short protein forms S3881R.
Identifiers: ClinVar variation 4086037 (VCV004086037.8).
Genomic context (GRCh38, chr14:64,087,827, plus strand): 5'-ACCCAATCCATACAAGAGTTAAGTAATCAAGTAACAGCTTTACAACAAAAAATAATGGAA[A>C]GCCTTCCACAGATTCAGCGAATGGCTGATGTAAGTTTGCACCATTCATTTAATCATTCAG-3'
Protein context (NP_878918.2, residues 3871-3891): VTALQQKIME[Ser3881Arg]LPQIQRMADD